The following is an entry in ClinVar:

NM_182931.3(KMT2E):c.529C>T (p.Gln177Ter)

Gene: KMT2E (lysine methyltransferase 2E (inactive); plus strand). Cytogenetic location: 7q22.3.
Variant type: single nucleotide variant.
Coding change: c.529C>T on transcript NM_182931.3 (MANE Select); coding-DNA position 529, C replaced by T.
Protein change: p.Gln177Ter; replaces glutamine 177 with a stop codon.
Molecular consequence: nonsense.
Genome position (GRCh38, 1-based): chr7:105,073,650, C>T. VCF-style: chr7-105073650-C-T. GRCh37 (hg19) VCF-style: chr7-104714097-C-T.
Other names: c.529C>T, p.Gln177Ter (NM_018682.4); short protein forms Q177*.
Identifiers: ClinVar variation 1068746 (VCV001068746.7), dbSNP rs2129567910, ClinGen allele CA368775655.

ClinVar aggregate classification (germline): Pathogenic (1 of 4 stars; one submission).

Submission:

Labcorp Genetics (formerly Invitae), Labcorp
Classification: Pathogenic. Last evaluated: 2020-03-31. Review status: criteria provided, single submitter. Criteria: Invitae Variant Classification Sherloc (09022015). Collection method: clinical testing. Allele origin: germline.
Comment: This variant is not present in population databases (ExAC no frequency). For these reasons, this variant has been classified as Pathogenic. Loss-of-function variants in KMT2E are known to be pathogenic (PMID: 31079897). This variant has not been reported in the literature in individuals with KMT2E-related conditions. This sequence change creates a premature translational stop signal (p.Gln177*) in the KMT2E gene. It is expected to result in an absent or disrupted protein product.

Literature cited by the submitters: PubMed 31079897.